The following is an entry in ClinVar:

ClinVar aggregate classification (germline): Uncertain significance (1 of 4 stars; one submission).

Allele frequency attached by ClinVar (database versions not stated): gnomAD exomes below 0.00001; ExAC 0.00001; gnomAD 0.00001; TOPMed 0.00001; 1000 Genomes Project 0.00020; 1000 Genomes Project 30x 0.00031.
gnomAD v4.1: 3 of 1,599,612 alleles (0.00019%); highest among the groups gnomAD compares: African/African-American, 0.004%; no homozygotes.

Submission:

Labcorp Genetics (formerly Invitae), Labcorp
Classification: Uncertain significance. Last evaluated: 2022-04-12. Review status: criteria provided, single submitter. Criteria: Invitae Variant Classification Sherloc (09022015). Collection method: clinical testing. Allele origin: germline.
Comment: This sequence change replaces serine, which is neutral and polar, with asparagine, which is neutral and polar, at codon 3955 of the FAT4 protein (p.Ser3955Asn). This variant is not present in population databases (gnomAD no frequency). This variant has not been reported in the literature in individuals affected with FAT4-related conditions. Advanced modeling of protein sequence and biophysical properties (such as structural, functional, and spatial information, amino acid conservation, physicochemical variation, residue mobility, and thermodynamic stability) performed at Invitae indicates that this missense variant is not expected to disrupt FAT4 protein function. In summary, the available evidence is currently insufficient to determine the role of this variant in disease. Therefore, it has been classified as a Variant of Uncertain Significance.

NM_001291303.3(FAT4):c.11870G>A (p.Ser3957Asn)

Gene: FAT4 (FAT atypical cadherin 4; plus strand). Cytogenetic location: 4q28.1.
Variant type: single nucleotide variant.
Coding change: c.11870G>A on transcript NM_001291303.3 (MANE Select); coding-DNA position 11870, G replaced by A.
Protein change: p.Ser3957Asn; replaces serine 3957 with asparagine.
Molecular consequence: missense variant.
Genome position (GRCh38, 1-based): chr4:125,463,632, G>A. VCF-style: chr4-125463632-G-A. GRCh37 (hg19) VCF-style: chr4-126384787-G-A.
Other names: c.11870G>A, p.Ser3957Asn (NM_001291285.3); c.11864G>A, p.Ser3955Asn (NM_024582.6); short protein forms S3955N, S3957N.
Identifiers: ClinVar variation 2125234 (VCV002125234.1), dbSNP rs539198714, ClinGen allele CA3073939.